The following is an entry in ClinVar:

NM_015466.4(PTPN23):c.4048C>T (p.Leu1350=)

Gene: PTPN23 (protein tyrosine phosphatase non-receptor type 23; plus strand). Cytogenetic location: 3p21.31.
Variant type: single nucleotide variant.
Coding change: c.4048C>T on transcript NM_015466.4 (MANE Select); coding-DNA position 4048, C replaced by T.
Protein change: p.Leu1350=; no amino-acid change (leucine 1350 retained).
Molecular consequence: synonymous variant.
Genome position (GRCh38, 1-based): chr3:47,411,942, C>T. VCF-style: chr3-47411942-C-T. GRCh37 (hg19) VCF-style: chr3-47453432-C-T.
Other names: c.4048C>T (NM_015466.3); c.3670C>T, p.Leu1224= (NM_001304482.2).
Identifiers: ClinVar variation 1668905 (VCV001668905.12), dbSNP rs780101336, ClinGen allele CA2366431.

ClinVar aggregate classification (germline): Likely benign. Review status: criteria provided, multiple submitters, no conflicts (2 of 4 stars). 3 submissions from 3 submitters: Likely benign (2). 1 of the submissions does not count toward it. Last evaluated 2025-12-22.

Conditions:
PTPN23-related disorder. Also called: PTPN23-related condition.

Allele frequency attached by ClinVar (database versions not stated): ExAC 0.00003; gnomAD 0.00003 and 0.00004; gnomAD exomes 0.00006; TOPMed 0.00007.
gnomAD v4.1: 97 of 1,612,306 alleles (0.006%); highest among the groups gnomAD compares: Middle Eastern, 0.049%; no homozygotes.

Submissions (3):

Labcorp Genetics (formerly Invitae), Labcorp
Classification: Likely benign. Last evaluated: 2025-12-22. Review status: criteria provided, single submitter. Criteria: Invitae Variant Classification Sherloc (09022015). Collection method: clinical testing. Allele origin: germline.

Blueprint Genetics
Classification: Likely benign. Last evaluated: 2024-09-15. Review status: criteria provided, single submitter. Criteria: ACMG Guidelines, 2015. Collection method: clinical testing. Allele origin: germline.

PreventionGenetics, part of Exact Sciences
Classification: Likely benign for PTPN23-related condition. Last evaluated: 2019-07-31. Review status: no assertion criteria provided. Collection method: clinical testing. Allele origin: germline. Not counted in ClinVar's aggregate classification.
Comment: This variant is classified as likely benign based on ACMG/AMP sequence variant interpretation guidelines (Richards et al. 2015 PMID: 25741868, with internal and published modifications).